The following is an entry in ClinVar:

ClinVar aggregate classification (germline): Uncertain significance (1 of 4 stars; one submission).

Conditions:
Hereditary cancer-predisposing syndrome. Also called: Neoplastic Syndromes, Hereditary; Tumor predisposition; Hereditary Cancer Syndrome; Hereditary neoplastic syndrome. Identifiers: Orphanet 140162, MedGen C0027672, MeSH D009386, MONDO:0015356.

Submission:

Ambry Genetics
Classification: Uncertain significance for Hereditary cancer-predisposing syndrome. Last evaluated: 2021-09-22. Review status: criteria provided, single submitter. Criteria: Ambry Variant Classification Scheme 2023. Collection method: clinical testing. Allele origin: germline.
Comment: The p.E978D variant (also known as c.2934A>C), located in coding exon 25 of the POLE gene, results from an A to C substitution at nucleotide position 2934. The glutamic acid at codon 978 is replaced by aspartic acid, an amino acid with highly similar properties. This amino acid position is conserved. In addition, this alteration is predicted to be tolerated by in silico analysis. Since supporting evidence is limited at this time, the clinical significance of this alteration remains unclear.

NM_006231.4(POLE):c.2934A>C (p.Glu978Asp)

Gene: POLE (DNA polymerase epsilon, catalytic subunit; minus strand). Cytogenetic location: 12q24.33.
Variant type: single nucleotide variant.
Coding change: c.2934A>C on transcript NM_006231.4 (MANE Select); coding-DNA position 2934, A replaced by C.
Protein change: p.Glu978Asp; replaces glutamic acid 978 with aspartic acid.
Molecular consequence: missense variant.
Genome position (GRCh38, 1-based): chr12:132,661,095, T>G on the plus strand (A>C on the coding strand, the complement: POLE is on the minus strand). VCF-style: chr12-132661095-T-G. GRCh37 (hg19) VCF-style: chr12-133237681-T-G.
Other names: short protein forms E978D.
Identifiers: ClinVar variation 1797847 (VCV001797847.2), dbSNP rs2042669492, ClinGen allele CA387392626.
Genomic context (GRCh38, chr12:132,661,095, plus strand): 5'-CGTGCTGCCCTTGAGGAAGGCCTCAAACACCGAGGATTGGAAGATCTTAATCAGCTGCAG[T>G]TCCCCGCGGCGTTTGACCTCAAAGCCCTTGAGCTCAGCCAGAGAACCGTCTTCATTGAAC-3'
Protein context (NP_006222.2, residues 968-988): LKGFEVKRRG[Glu978Asp]LQLIKIFQSS